The following is an entry in ClinVar:

ClinVar aggregate classification (germline): Uncertain significance (1 of 4 stars; one submission).

Submission:

GeneDx
Classification: Uncertain significance. Last evaluated: 2024-12-10. Review status: criteria provided, single submitter. Criteria: GeneDx Variant Classification Process June 2021. Collection method: clinical testing. Allele origin: germline. Affected: yes.
Comment: Not observed at significant frequency in large population cohorts (gnomAD); In silico analysis supports that this missense variant has a deleterious effect on protein structure/function; Has not been previously published as pathogenic or benign to our knowledge

NM_015909.4(NBAS):c.5123T>C (p.Leu1708Pro)

Gene: NBAS (NBAS subunit of NRZ tethering complex; minus strand). Cytogenetic location: 2p24.3.
Variant type: single nucleotide variant.
Coding change: c.5123T>C on transcript NM_015909.4 (MANE Select); coding-DNA position 5123, T replaced by C.
Protein change: p.Leu1708Pro; replaces leucine 1708 with proline.
Molecular consequence: missense variant. On other transcripts: non-coding transcript variant (1).
Genome position (GRCh38, 1-based): chr2:15,287,088, A>G on the plus strand (T>C on the coding strand, the complement: NBAS is on the minus strand). VCF-style: chr2-15287088-A-G. GRCh37 (hg19) VCF-style: chr2-15427212-A-G.
Other names: short protein forms L1708P.
Identifiers: ClinVar variation 3903184 (VCV003903184.1).